The following is an entry in ClinVar:

ClinVar aggregate classification (germline): Uncertain significance. Review status: criteria provided, multiple submitters, no conflicts (2 of 4 stars). 3 submissions from 3 submitters: Uncertain significance (3). Last evaluated 2022-08-18.

Allele frequency attached by ClinVar (database versions not stated): TOPMed 0.00001.
gnomAD v4.1: 7 of 1,550,022 alleles (0.00045%); highest among the groups gnomAD compares: Admixed American, 0.012%; no homozygotes.

Submissions (3):

Blueprint Genetics
Classification: Uncertain significance. Last evaluated: 2022-08-18. Review status: criteria provided, single submitter. Criteria: ACMG Guidelines, 2015. Collection method: clinical testing. Allele origin: germline.

Labcorp Genetics (formerly Invitae), Labcorp
Classification: Uncertain significance. Last evaluated: 2022-07-12. Review status: criteria provided, single submitter. Criteria: Invitae Variant Classification Sherloc (09022015). Collection method: clinical testing. Allele origin: germline.
Comment: This sequence change replaces leucine, which is neutral and non-polar, with phenylalanine, which is neutral and non-polar, at codon 600 of the EYS protein (p.Leu600Phe). The frequency data for this variant in the population databases is considered unreliable, as metrics indicate poor data quality at this position in the gnomAD database. This variant has not been reported in the literature in individuals affected with EYS-related conditions. ClinVar contains an entry for this variant (Variation ID: 194029). Algorithms developed to predict the effect of missense changes on protein structure and function output the following: SIFT: "Tolerated"; PolyPhen-2: "Benign"; Align-GVGD: "Class C0". The phenylalanine amino acid residue is found in multiple mammalian species, which suggests that this missense change does not adversely affect protein function. In summary, the available evidence is currently insufficient to determine the role of this variant in disease. Therefore, it has been classified as a Variant of Uncertain Significance.

Eurofins Ntd Llc (ga)
Classification: Uncertain significance. Last evaluated: 2014-12-19. Review status: criteria provided, single submitter. Criteria: EGL Classification Definitions 2015. Collection method: clinical testing. Allele origin: germline. Observed: 1 variant allele, 1 heterozygote.

NM_001142800.2(EYS):c.1800G>T (p.Leu600Phe)

Gene: EYS (EGF-like photoreceptor maintenance factor; minus strand). Cytogenetic location: 6q12.
Variant type: single nucleotide variant.
Coding change: c.1800G>T on transcript NM_001142800.2 (MANE Select); coding-DNA position 1800, G replaced by T.
Protein change: p.Leu600Phe; replaces leucine 600 with phenylalanine.
Molecular consequence: missense variant.
Genome position (GRCh38, 1-based): chr6:65,296,086, C>A on the plus strand (G>T on the coding strand, the complement: EYS is on the minus strand). VCF-style: chr6-65296086-C-A. GRCh37 (hg19) VCF-style: chr6-66005979-C-A.
Other names: c.1800G>T, p.Leu600Phe (NM_001292009.2); short protein forms L600F.
Identifiers: ClinVar variation 194029 (VCV000194029.10), dbSNP rs794727056, ClinGen allele CA239813.
Genomic context (GRCh38, chr6:65,296,086, plus strand): 5'-GCAGAGGCCATGCACTGATATACTGTGGTTCCCTAAGCAATAGTCAACATTGACAACACA[C>A]AATCTGCCAATGTAACTAAGAGAACAGCTGCATCTGAAACACAGAGAAATGAAAAACCCA-3'
Protein context (NP_001136272.1, residues 590-610): CSCSLSYIGR[Leu600Phe]CVVNVDYCLG